The following is an entry in ClinVar:

NM_001023570.4(IQCB1):c.322C>T (p.Leu108Phe)

Gene: IQCB1 (IQ motif containing B1; minus strand). Cytogenetic location: 3q13.33.
Variant type: single nucleotide variant.
Coding change: c.322C>T on transcript NM_001023570.4 (MANE Select); coding-DNA position 322, C replaced by T.
Protein change: p.Leu108Phe; replaces leucine 108 with phenylalanine.
Molecular consequence: missense variant. On other transcripts: non-coding transcript variant (1).
Genome position (GRCh38, 1-based): chr3:121,826,122, G>A on the plus strand (C>T on the coding strand, the complement: IQCB1 is on the minus strand). VCF-style: chr3-121826122-G-A. GRCh37 (hg19) VCF-style: chr3-121544969-G-A.
Other names: c.322C>T, p.Leu108Phe (NM_001023571.4, NM_001319107.2); short protein forms L108F.
Identifiers: ClinVar variation 197706 (VCV000197706.13), dbSNP rs146580215, ClinGen allele CA245993.
Genomic context (GRCh38, chr3:121,826,122, plus strand): 5'-TGATAAAACATGTTTGTAATTGTCTCCCCAAAACTAGAAAATTTTCTGCAGCTGATGGAA[G>A]TAATTCATTGTAAAATTCCTCTGCATCTTCTCCTGGCTCCAAGCCCACACAGCAATGGCT-3'
Protein context (NP_001018864.2, residues 98-118): EDAEEFYNEL[Leu108Phe]PSAAENFLVL

ClinVar aggregate classification (germline): Uncertain significance. Review status: criteria provided, multiple submitters, no conflicts (2 of 4 stars). 3 submissions from 3 submitters: Uncertain significance (3). Last evaluated 2024-12-16.

Conditions:
Nephronophthisis. Also called: Juvenile Nephronophthisis. Identifiers: Orphanet 655, MedGen C0687120, MONDO:0019005, HP:0000090.
Senior-Loken syndrome 5 (SLSN5). Identifiers: Orphanet 3156, MedGen C1836517, MONDO:0012225, OMIM 609254.

Allele frequency attached by ClinVar (database versions not stated): gnomAD exomes 0.00002 and 0.00007; ExAC 0.00011; 1000 Genomes Project 30x 0.00016; 1000 Genomes Project 0.00020; TOPMed 0.00032; gnomAD 0.00033 and 0.00036; ESP Exome Variant Server 0.00054.
gnomAD v4.1: 83 of 1,612,596 alleles (0.0051%); highest among the groups gnomAD compares: African/African-American, 0.1%; no homozygotes.

Submissions (3):

Labcorp Genetics (formerly Invitae), Labcorp
Classification: Uncertain significance for Nephronophthisis. Last evaluated: 2024-12-16. Review status: criteria provided, single submitter. Criteria: Invitae Variant Classification Sherloc (09022015). Collection method: clinical testing. Allele origin: germline.
Comment: This sequence change replaces leucine, which is neutral and non-polar, with phenylalanine, which is neutral and non-polar, at codon 108 of the IQCB1 protein (p.Leu108Phe). This variant is present in population databases (rs146580215, gnomAD 0.1%). This variant has not been reported in the literature in individuals affected with IQCB1-related conditions. ClinVar contains an entry for this variant (Variation ID: 197706). Invitae Evidence Modeling of protein sequence and biophysical properties (such as structural, functional, and spatial information, amino acid conservation, physicochemical variation, residue mobility, and thermodynamic stability) has been performed for this missense variant. However, the output from this modeling did not meet the statistical confidence thresholds required to predict the impact of this variant on IQCB1 protein function. In summary, the available evidence is currently insufficient to determine the role of this variant in disease. Therefore, it has been classified as a Variant of Uncertain Significance.

Fulgent Genetics
Classification: Uncertain significance for Senior-Loken syndrome 5. Last evaluated: 2024-05-10. Review status: criteria provided, single submitter. Criteria: ACMG Guidelines, 2015. Collection method: clinical testing. Allele origin: germline.

Eurofins Ntd Llc (ga)
Classification: Uncertain significance. Last evaluated: 2015-06-04. Review status: criteria provided, single submitter. Criteria: EGL Classification Definitions 2015. Collection method: clinical testing. Allele origin: germline. Observed: 1 variant allele, 1 heterozygote.